The following is an entry in ClinVar:

NM_007294.4(BRCA1):c.174T>G (p.Pro58=)

Gene: BRCA1 (BRCA1 DNA repair associated; minus strand). Cytogenetic location: 17q21.31.
Variant type: single nucleotide variant.
Coding change: c.174T>G on transcript NM_007294.4 (MANE Select); coding-DNA position 174, T replaced by G.
Protein change: p.Pro58=; no amino-acid change (proline 58 retained).
Molecular consequence: synonymous variant. On other transcripts: 5 prime UTR variant (61), intron variant (34).
Genome position (GRCh38, 1-based): chr17:43,106,494, A>C on the plus strand (T>G on the coding strand, the complement: BRCA1 is on the minus strand). VCF-style: chr17-43106494-A-C. GRCh37 (hg19) VCF-style: chr17-41258511-A-C.
Other names: c.174T>G, p.Pro58= (NM_001407670.1, NM_001407671.1, NM_001407672.1 and 168 more transcripts); c.33T>G, p.Pro11= (NM_001407692.1, NM_001407694.1, NM_001407695.1 and 99 more transcripts); c.-15T>G (NM_001407853.1, NM_001407879.1, NM_001407881.1 and 58 more transcripts); c.-218-11634T>G (NM_001407967.1, NM_001407966.1); c.-169-1538T>G (NM_001407959.1, NM_001407962.1, NM_001408512.1 and 4 more transcripts); c.81-1538T>G (NM_001408451.1); c.135-1538T>G (NM_001408475.1, NM_001407875.1, NM_001407659.1 and 21 more transcripts).
Identifiers: ClinVar variation 868247 (VCV000868247.3), dbSNP rs2054783548, ClinGen allele CA500128155.

Conditions:
Breast-ovarian cancer, familial, susceptibility to, 1 (BROVCA1). Also called: BRCA1 Hereditary Breast and Ovarian Cancer; OVARIAN CANCER, SUSCEPTIBILITY TO. Identifiers: Orphanet 145, MedGen C2676676, MONDO:0011450, OMIM 604370. Disease mechanism: loss of function.

Submission:

Brotman Baty Institute, University of Washington
No classification provided (evidence only). Condition: Breast-ovarian cancer, familial 1. Review status: no classification provided. Collection method: in vitro. Allele origin: not applicable. Functional consequence: functionally_normal.
ClinVar note: "not provided" was previously submitted as the classification for the variant. However, the classification appeared to be based only on an observation of functional data so it was converted to no classification on 2025-07-30.